The following is an entry in ClinVar:

NM_000304.4(PMP22):c.215C>A (p.Ser72Ter)

Gene: PMP22 (peripheral myelin protein 22; minus strand). Cytogenetic location: 17p12.
Variant type: single nucleotide variant.
Coding change: c.215C>A on transcript NM_000304.4 (MANE Select); coding-DNA position 215, C replaced by A.
Protein change: p.Ser72Ter; replaces serine 72 with a stop codon.
Molecular consequence: nonsense. On other transcripts: non-coding transcript variant (2).
Genome position (GRCh38, 1-based): chr17:15,239,575, G>T on the plus strand (C>A on the coding strand, the complement: PMP22 is on the minus strand). VCF-style: chr17-15239575-G-T. GRCh37 (hg19) VCF-style: chr17-15142892-G-T.
Other names: c.215C>A, p.Ser72Ter (NM_001281455.2, NM_001281456.2, NM_001330143.2 and 2 more transcripts); short protein forms S72*.
Identifiers: ClinVar variation 1453125 (VCV001453125.6), dbSNP rs104894621, ClinGen allele CA398268233.
Genomic context (GRCh38, chr17:15,239,575, plus strand): 5'-TTGGTGAGGGTGAAGAGTTGGCAGAAGAACAGGAACAGAGACAGAATGCTGAAGATGATC[G>T]ACAGGATCATGGTGGCCTGGACAGACTGCAGCCATTCTGGGGGAAAGAGACACTTGGTTA-3'

ClinVar aggregate classification (germline): Pathogenic (1 of 4 stars; one submission).

Conditions:
Charcot-Marie-Tooth disease, type I (CMT1). Also called: Charcot-Marie-Tooth, Type 1; Charcot-Marie-Tooth disease type 1. Identifiers: Orphanet 65753, MedGen C0751036, MONDO:0019011.

Submission:

Labcorp Genetics (formerly Invitae), Labcorp
Classification: Pathogenic for Charcot-Marie-Tooth disease, type I. Last evaluated: 2021-10-17. Review status: criteria provided, single submitter. Criteria: Invitae Variant Classification Sherloc (09022015). Collection method: clinical testing. Allele origin: germline.
Comment: This variant is not present in population databases (ExAC no frequency). This sequence change creates a premature translational stop signal (p.Ser72*) in the PMP22 gene. It is expected to result in an absent or disrupted protein product. Loss-of-function variants in PMP22 are known to be pathogenic (PMID: 23224996). This variant has not been reported in the literature in individuals affected with PMP22-related conditions. For these reasons, this variant has been classified as Pathogenic. Algorithms developed to predict the effect of sequence changes on RNA splicing suggest that this variant may create or strengthen a splice site.

Literature cited by the submitters: PubMed 23224996.